The following is an entry in ClinVar:

ClinVar aggregate classification (germline): Benign. Review status: criteria provided, multiple submitters, no conflicts (2 of 4 stars). 6 submissions from 6 submitters: Benign (6). Last evaluated 2026-01-05.

Conditions:
Diamond-Blackfan anemia 10 (DBA10). Also called: RPS26-Related Diamond-Blackfan Anemia. Identifiers: Orphanet 124, MedGen C2750080, MONDO:0013217, OMIM 613309.

Allele frequency attached by ClinVar (database versions not stated): ESP Exome Variant Server 0.46494; TOPMed 0.49686; 1000 Genomes Project 30x 0.54263; 1000 Genomes Project 0.55591.
gnomAD v4.1: 935,983 of 1,612,112 alleles (58%); highest among the groups gnomAD compares: East Asian, 79%; 280,041 homozygotes.

Submissions (6):

Labcorp Genetics (formerly Invitae), Labcorp
Classification: Benign for Diamond-Blackfan anemia 10. Last evaluated: 2026-01-05. Review status: criteria provided, single submitter. Criteria: Invitae Variant Classification Sherloc (09022015). Collection method: clinical testing. Allele origin: germline.

Fulgent Genetics
Classification: Benign for Diamond-Blackfan anemia 10. Last evaluated: 2021-12-27. Review status: criteria provided, single submitter. Criteria: ACMG Guidelines, 2015. Collection method: clinical testing. Allele origin: unknown.

Genome-Nilou Lab
Classification: Benign for Diamond-Blackfan anemia 10. Last evaluated: 2021-11-07. Review status: criteria provided, single submitter. Criteria: ACMG Guidelines, 2015. Collection method: clinical testing. Allele origin: germline. Affected: no.

Illumina Laboratory Services, Illumina
Classification: Benign for Diamond-Blackfan anemia 10. Last evaluated: 2018-01-12. Review status: criteria provided, single submitter. Criteria: ICSL Variant Classification Criteria 13 December 2019. Collection method: clinical testing. Allele origin: germline.
Comment: This variant was observed in the ICSL laboratory as part of a predisposition screen in an ostensibly healthy population. It had not been previously curated by ICSL or reported in the Human Gene Mutation Database (HGMD: prior to June 1st, 2018), and was therefore a candidate for classification through an automated scoring system. Utilizing variant allele frequency, disease prevalence and penetrance estimates, and inheritance mode, an automated score was calculated to assess if this variant is too frequent to cause the disease. Based on the score and internal cut-off values, a variant classified as benign is not then subjected to further curation. The score for this variant resulted in a classification of benign for this disease.

GeneDx
Classification: Benign. Last evaluated: 2017-02-06. Review status: criteria provided, single submitter. Criteria: GeneDx Variant Classification (06012015). Collection method: clinical testing. Allele origin: germline. Affected: yes.
Comment: This variant is considered likely benign or benign based on one or more of the following criteria: it is a conservative change, it occurs at a poorly conserved position in the protein, it is predicted to be benign by multiple in silico algorithms, and/or has population frequency not consistent with disease.

Breakthrough Genomics
Classification: Benign. Review status: criteria provided, single submitter. Criteria: ACMG Guidelines, 2015. Collection method: not provided. Allele origin: germline. Inheritance: Autosomal dominant inheritance. Affected: yes.

NM_001029.5(RPS26):c.-22C>G

Gene: RPS26 (ribosomal protein S26; plus strand). Cytogenetic location: 12q13.2.
Variant type: single nucleotide variant.
Coding change: c.-22C>G on transcript NM_001029.5 (MANE Select); 22 bases upstream of the start codon, C replaced by G.
Molecular consequence: 5 prime UTR variant.
Genome position (GRCh38, 1-based): chr12:56,042,145, C>G. VCF-style: chr12-56042145-C-G. GRCh37 (hg19) VCF-style: chr12-56435929-C-G.
Other names: c.-22C>G (LRG_1146t1).
Identifiers: ClinVar variation 309857 (VCV000309857.16), dbSNP rs1131017, ClinGen allele CA6621632.